The following is an entry in ClinVar:

ClinVar aggregate classification (germline): Likely benign (1 of 4 stars; one submission).

Allele frequency attached by ClinVar (database versions not stated): TOPMed below 0.00001 and 0.00001; gnomAD 0.00001.
gnomAD v4.1: 1 of 1,550,136 alleles (0.000065%); highest among the groups gnomAD compares: Admixed American, 0.002%; no homozygotes.

Submission:

Laboratory for Molecular Medicine, Mass General Brigham Personalized Medicine
Classification: Likely benign. Last evaluated: 2019-07-09. Review status: criteria provided, single submitter. Criteria: LMM Criteria. Collection method: clinical testing. Allele origin: germline. Observed: 1 variant allele.
Comment: The p.Leu2775Leu variant in OTOG is classified as likely benign because it does not alter an amino acid residue, it is not located within the splice consensus sequence, and splice prediction algorithms do not predict a newly created splice site. ACMG/AMP Criteria applied: BP4, BP7.

NM_001292063.2(OTOG):c.8287C>T (p.Leu2763=)

Gene: OTOG (otogelin; plus strand). Cytogenetic location: 11p15.1.
Variant type: single nucleotide variant.
Coding change: c.8287C>T on transcript NM_001292063.2 (MANE Select); coding-DNA position 8287, C replaced by T.
Protein change: p.Leu2763=; no amino-acid change (leucine 2763 retained).
Molecular consequence: synonymous variant.
Genome position (GRCh38, 1-based): chr11:17,641,943, C>T. VCF-style: chr11-17641943-C-T. GRCh37 (hg19) VCF-style: chr11-17663490-C-T.
Other names: c.8323C>T, p.Leu2775= (NM_001277269.2).
Identifiers: ClinVar variation 930127 (VCV000930127.4), dbSNP rs1406354520, ClinGen allele CA473299941.